The following is an entry in ClinVar:

ClinVar aggregate classification (germline): Conflicting classifications of pathogenicity. Review status: criteria provided, conflicting classifications (1 of 4 stars). 18 submissions from 18 submitters: Uncertain significance (6); Likely benign (8). 4 of the submissions do not count toward it. Last evaluated 2026-02-03.

Conditions:
CDK4-related disorder. Also called: CDK4-related condition.
Familial melanoma. Also called: Hereditary melanoma; Hereditary cutaneous melanoma. Identifiers: Orphanet 618, MedGen C1512419, MONDO:0018961.
Hereditary cancer-predisposing syndrome. Also called: Neoplastic Syndromes, Hereditary; Tumor predisposition; Hereditary Cancer Syndrome; Hereditary neoplastic syndrome. Identifiers: Orphanet 140162, MedGen C0027672, MeSH D009386, MONDO:0015356.
Melanoma, cutaneous malignant, susceptibility to, 3. Also called: Cutaneous malignant melanoma 3. Identifiers: Orphanet 618, MedGen C1836892, MONDO:0012183, OMIM 609048.

Allele frequency attached by ClinVar (database versions not stated): 1000 Genomes Project 30x 0.00016; 1000 Genomes Project 0.00020; gnomAD 0.00028 and 0.00029; TOPMed 0.00028; gnomAD exomes 0.00034 and 0.00035; ExAC 0.00037; ESP Exome Variant Server 0.00046.

Submissions (18):

Labcorp Genetics (formerly Invitae), Labcorp
Classification: Likely benign for Familial melanoma. Last evaluated: 2026-02-03. Review status: criteria provided, single submitter. Criteria: Invitae Variant Classification Sherloc (09022015). Collection method: clinical testing. Allele origin: germline.

Quest Diagnostics Nichols Institute San Juan Capistrano
Classification: Likely benign. Last evaluated: 2025-10-28. Review status: criteria provided, single submitter. Criteria: Quest Diagnostics criteria. Collection method: clinical testing. Allele origin: unknown.

GeneDx
Classification: Uncertain significance. Last evaluated: 2025-09-02. Review status: criteria provided, single submitter. Criteria: GeneDx Variant Classification Process June 2021. Collection method: clinical testing. Allele origin: germline. Affected: yes.
Comment: In silico analysis supports that this missense variant has a deleterious effect on protein structure/function; This variant is associated with the following publications: (PMID: 26252490, 26534844, 28060055, 25801821, 28380455, 26580448, 28726808, 25186627, 27640074, 30374176, 33281875, 34130653, 30426508)

PreventionGenetics, part of Exact Sciences
Classification: Likely benign for CDK4-related condition. Last evaluated: 2025-07-19. Review status: criteria provided, single submitter. Criteria: ACMG Guidelines, 2015. Collection method: clinical testing. Allele origin: germline.
Comment: This variant is classified as likely benign based on ACMG/AMP sequence variant interpretation guidelines (Richards et al. 2015 PMID: 25741868, with internal and published modifications).

Molecular Pathology, Peter Maccallum Cancer Centre
Classification: Uncertain significance for Melanoma, cutaneous malignant, susceptibility to, 3. Last evaluated: 2025-03-21. Review status: criteria provided, single submitter. Criteria: ACMG Guidelines, 2015. Collection method: clinical testing. Allele origin: germline. Inheritance: Autosomal dominant inheritance.

Center for Genomic Medicine, Rigshospitalet, Copenhagen University Hospital
Classification: Uncertain significance. Last evaluated: 2025-03-04. Review status: criteria provided, single submitter. Criteria: ACMG Guidelines, 2015. Collection method: clinical testing. Allele origin: germline.

Laboratory of Genetics, Children's Clinical University Hospital Latvia
Classification: Likely benign. Last evaluated: 2025-02-16. Review status: criteria provided, single submitter. Criteria: ACMG Guidelines, 2015. Collection method: clinical testing. Allele origin: germline. Affected: yes.

Blueprint Genetics
Classification: Likely benign. Last evaluated: 2024-08-21. Review status: criteria provided, single submitter. Criteria: ACMG Guidelines, 2015. Collection method: clinical testing. Allele origin: germline.

St. Jude Molecular Pathology, St. Jude Children's Research Hospital
Classification: Uncertain significance for Melanoma, cutaneous malignant, susceptibility to, 3. Last evaluated: 2023-08-30. Review status: criteria provided, single submitter. Criteria: St. Jude Assertion Criteria 2020. Collection method: clinical testing. Allele origin: germline.
Comment: The CDK4 c.625C>T (p.Arg209Cys) missense change has a maximum subpopulation frequency of 0.065% in gnomAD v2.1.1. The in silico tool REVEL predicts a benign effect on protein function, but to our knowledge this prediction has not been confirmed by functional studies. This variant has been reported in individuals with pancreatic cancer (PMID: 28726808) and breast cancer (PMID: 25186627, 26534844). To our knowledge, this variant has not been reported in individuals with familial melanoma. In summary, the evidence currently available is insufficient to determine the clinical significance of this variant. It has therefore been classified as of uncertain significance.

Women's Health and Genetics/Laboratory Corporation of America, LabCorp
Classification: Likely benign. Last evaluated: 2023-06-05. Review status: criteria provided, single submitter. Criteria: LabCorp Variant Classification Summary - May 2015. Collection method: clinical testing. Allele origin: germline.
Comment: Variant summary: CDK4 c.625C>T (p.Arg209Cys) results in a non-conservative amino acid change located in the protein kinase domain (IPR000719) of the encoded protein sequence. Three of five in-silico tools predict a benign effect of the variant on protein function. The variant allele was found at a frequency of 0.00035 in 251492 control chromosomes, predominantly within Northwestern European (at a frequency of 0.0008) and Swedish European subpopulations (at a frequency of 0.0008) in the gnomAD database (v2.1). These observed subpopulation frequencies are approximately 40 fold higher than the estimated maximal expected allele frequency for a pathogenic variant in CDK4 causing Cutaneous Malignant Melanoma phenotype (i.e. 8e-04 vs. 2e-05), strongly suggesting that the variant is a benign polymorphism found primarily in European subpopulations. The variant, c.625C>T, has been reported in the literature in an individual affected with melanoma (e.g., Borroni 2017), and other individuals affected with pancreatic (e.g., Chaffee 2018) breast cancer (e.g., Li 2016, Tung 2015, Schubert_2019), and co-occurring breast and thyroid cancer (e.g., Bakos_2021), although with limited information (i.e. lack of co-occurrence and cosegregation data); moreover, four of these breast cancer cases were of western/northern European ancestry. These reports therefore do not provide unequivocal conclusions about association of the variant with Cutaneous Malignant Melanoma. To our knowledge, no experimental evidence demonstrating an impact on protein function has been reported. The following publications have been ascertained in the context of this evaluation (PMID: 28060055, 28726808, 26534844, 27640074, 26252490, 25186627, 26580448, 34130653, 30426508). Ten ClinVar submitters (evaluation after 2014) have cited the variant and classified it as VUS (n=6) and likely benign (n=4). At-least one additional submitter has re-classified this variant from a VUS to likely benign since its previous evaluation. Some submitters cite overlapping evidence utilized in the context of this evaluation. Based on the evidence outlined above, the variant was classified as likely benign.

Myriad Genetics, Inc.
Classification: Uncertain significance for Melanoma, cutaneous malignant, susceptibility to, 3. Last evaluated: 2023-03-07. Review status: criteria provided, single submitter. Criteria: Myriad Autosomal Dominant, Autosomal Recessive and X-Linked Classification Criteria (2023). Collection method: clinical testing. Allele origin: unknown.
Comment: This variant is classified as a variant of uncertain significance as there is insufficient evidence to determine its impact on protein function and/or cancer risk.

Institute for Clinical Genetics, University Hospital TU Dresden, University Hospital TU Dresden
Classification: Uncertain significance. Last evaluated: 2021-11-03. Review status: criteria provided, single submitter. Criteria: ACMG Guidelines, 2015. Collection method: clinical testing. Allele origin: germline.

Sema4
Classification: Likely benign for Hereditary cancer-predisposing syndrome. Last evaluated: 2021-02-17. Review status: criteria provided, single submitter. Criteria: Sema4 Curation Guidelines. Collection method: curation. Allele origin: germline.

Ambry Genetics
Classification: Likely benign for Hereditary cancer-predisposing syndrome. Last evaluated: 2018-06-15. Review status: criteria provided, single submitter. Criteria: Ambry Variant Classification Scheme 2023. Collection method: clinical testing. Allele origin: germline.

True Health Diagnostics
Classification: Uncertain significance for Hereditary cancer-predisposing syndrome. Last evaluated: 2018-03-02. Review status: no assertion criteria provided. Collection method: clinical testing. Allele origin: germline. Not counted in ClinVar's aggregate classification.

Counsyl
Classification: Uncertain significance for Melanoma, cutaneous malignant, susceptibility to, 3. Last evaluated: 2016-07-19. Review status: no assertion criteria provided. Collection method: clinical testing. Allele origin: unknown. Not counted in ClinVar's aggregate classification.

Clinical Genetics DNA and cytogenetics Diagnostics Lab, Erasmus MC, Erasmus Medical Center
Classification: Uncertain significance. Review status: no assertion criteria provided. Collection method: clinical testing. Allele origin: germline. Affected: yes. Study: VKGL Data-share Consensus. Not counted in ClinVar's aggregate classification.

Laboratory of Diagnostic Genome Analysis, Leiden University Medical Center (LUMC)
Classification: Uncertain significance. Review status: no assertion criteria provided. Collection method: clinical testing. Allele origin: germline. Affected: yes. Study: VKGL Data-share Consensus. Not counted in ClinVar's aggregate classification.

Literature cited by the submitters: PubMed 34130653 (cited by Quest Diagnostics Nichols Institute San Juan Capistrano and Women's Health and Genetics/Laboratory Corporation of America, LabCorp); PubMed 26534844 (cited by 4 submitters); PubMed 26252490 (cited by 4 submitters); PubMed 28060055 (cited by 3 submitters); PubMed 28726808 (cited by Quest Diagnostics Nichols Institute San Juan Capistrano and Women's Health and Genetics/Laboratory Corporation of America, LabCorp); PubMed 26580448 (cited by 3 submitters); PubMed 25186627 (cited by 4 submitters); PubMed 30374176 (cited by Quest Diagnostics Nichols Institute San Juan Capistrano); PubMed 27640074 (cited by Women's Health and Genetics/Laboratory Corporation of America, LabCorp); PubMed 30426508 (cited by Women's Health and Genetics/Laboratory Corporation of America, LabCorp); PubMed 28380455 (cited by Ambry Genetics).

NM_000075.4(CDK4):c.625C>T (p.Arg209Cys)

Gene: CDK4 (cyclin dependent kinase 4; minus strand). Cytogenetic location: 12q14.1.
Variant type: single nucleotide variant.
Coding change: c.625C>T on transcript NM_000075.4 (MANE Select); coding-DNA position 625, C replaced by T.
Protein change: p.Arg209Cys; replaces arginine 209 with cysteine.
Molecular consequence: missense variant.
Genome position (GRCh38, 1-based): chr12:57,750,663, G>A on the plus strand (C>T on the coding strand, the complement: CDK4 is on the minus strand). VCF-style: chr12-57750663-G-A. GRCh37 (hg19) VCF-style: chr12-58144446-G-A.
Other names: p.R209C:CGT>TGT; c.625C>T (LRG_490t1); short protein forms R209C.
Identifiers: ClinVar variation 135825 (VCV000135825.52), dbSNP rs140644696, ClinGen allele CA294256.